The following is an entry in ClinVar:

NM_133259.4(LRPPRC):c.1236T>C (p.His412=)

Gene: LRPPRC (leucine rich pentatricopeptide repeat containing; minus strand). Cytogenetic location: 2p21.
Variant type: single nucleotide variant.
Coding change: c.1236T>C on transcript NM_133259.4 (MANE Select); coding-DNA position 1236, T replaced by C.
Protein change: p.His412=; no amino-acid change (histidine 412 retained).
Molecular consequence: synonymous variant.
Genome position (GRCh38, 1-based): chr2:43,973,820, A>G on the plus strand (T>C on the coding strand, the complement: LRPPRC is on the minus strand). VCF-style: chr2-43973820-A-G. GRCh37 (hg19) VCF-style: chr2-44200959-A-G.
Identifiers: ClinVar variation 681584 (VCV000681584.13), dbSNP rs764634151, ClinGen allele CA1639052.

ClinVar aggregate classification (germline): Likely benign. Review status: criteria provided, multiple submitters, no conflicts (2 of 4 stars). 4 submissions from 4 submitters: Likely benign (2). 2 of the submissions do not count toward it. Last evaluated 2024-01-16.

Conditions:
Congenital lactic acidosis, Saguenay-Lac-Saint-Jean type (MC4DN5). Also called: CYTOCHROME c OXIDASE DEFICIENCY, FRENCH CANADIAN TYPE; COX DEFICIENCY, FRENCH CANADIAN TYPE; MITOCHONDRIAL COMPLEX IV DEFICIENCY, NUCLEAR TYPE 5. Identifiers: Orphanet 70472, MedGen C1857355, MONDO:0009069, OMIM 220111.
LRPPRC-related disorder. Also called: LRPPRC-related condition.

Allele frequency attached by ClinVar (database versions not stated): gnomAD exomes below 0.00001; ExAC 0.00001; gnomAD 0.00001; TOPMed 0.00001.
gnomAD v4.1: 11 of 1,613,742 alleles (0.00068%); highest among the groups gnomAD compares: African/African-American, 0.0027%; no homozygotes.

Submissions (4):

Labcorp Genetics (formerly Invitae), Labcorp
Classification: Likely benign. Last evaluated: 2024-01-16. Review status: criteria provided, single submitter. Criteria: Invitae Variant Classification Sherloc (09022015). Collection method: clinical testing. Allele origin: germline.

GeneDx
Classification: Likely benign. Last evaluated: 2018-04-20. Review status: criteria provided, single submitter. Criteria: GeneDx Variant Classification (06012015). Collection method: clinical testing. Allele origin: germline. Affected: yes.
Comment: This variant is considered likely benign or benign based on one or more of the following criteria: it is a conservative change, it occurs at a poorly conserved position in the protein, it is predicted to be benign by multiple in silico algorithms, and/or has population frequency not consistent with disease.

Natera, Inc.
Classification: Uncertain significance for French-Canadian type Leigh syndrome. Last evaluated: 2020-03-11. Review status: no assertion criteria provided. Collection method: clinical testing. Allele origin: germline. Not counted in ClinVar's aggregate classification.

PreventionGenetics, part of Exact Sciences
Classification: Likely benign for LRPPRC-related condition. Last evaluated: 2019-02-22. Review status: no assertion criteria provided. Collection method: clinical testing. Allele origin: germline. Not counted in ClinVar's aggregate classification.
Comment: This variant is classified as likely benign based on ACMG/AMP sequence variant interpretation guidelines (Richards et al. 2015 PMID: 25741868, with internal and published modifications).